The following is an entry in ClinVar:

ClinVar aggregate classification (germline): Uncertain significance (1 of 4 stars; one submission).

Conditions:
King Denborough syndrome (KDS). Identifiers: MedGen C1840365, MONDO:0020485, OMIM 619542.

Submission:

Foundation for Research in Genetics and Endocrinology, FRIGE's Institute of Human Genetics
Classification: Uncertain significance for King Denborough syndrome. Last evaluated: 2025-08-15. Review status: criteria provided, single submitter. Criteria: ACMG Guidelines, 2015. Collection method: clinical testing. Allele origin: germline. Inheritance: Autosomal dominant inheritance. Affected: yes. Observed: 1 heterozygote.
Comment: The heterozygous inframe deletion variant c.4713_4715del; p.Ile1571del, has been detected in the RYR1 gene on chromosomal position chr19:38483291:ACAT>A. This variant is noted to have a total depth of 99X. It is located in exon 33 and it leads to deletion of an amino acid at codon 1571. This variant has been reported in population frequency databases such as gnomAD (MAF-0.0001%) and not reported in ExAC. In summary, the variant meets our criteria to be classified as variant of uncertain significance.

NM_000540.3(RYR1):c.4710CAT[1] (p.Ile1571del)

Gene: RYR1 (ryanodine receptor 1; plus strand). Cytogenetic location: 19q13.2.
Variant type: Microsatellite.
Coding change: c.4710CAT[1] on transcript NM_000540.3 (MANE Select); one copy of the 3-base unit CAT starting at c.4710; the reference has two copies in a row; one copy, 3 bases deleted; also written c.4713_4715del.
Protein change: p.Ile1571del; deletes isoleucine 1571.
Molecular consequence: inframe deletion.
Genome position (GRCh38, 1-based): chr19:38,483,295-38,483,297, CAT deleted; deleting any 3 consecutive bases within chr19:38,483,292-38,483,297 gives the same sequence; the position shown is the placement nearest the transcript's 3' end. VCF-style (leftmost placement, unchanged base first): chr19-38483291-ACAT-A. GRCh37 (hg19) VCF-style: chr19-38973931-ACAT-A.
Other names: p.Ile1571del; c.4710CAT[1], p.Ile1571del (NM_001042723.2); c.4713_4715del (NM_000540.3); short protein forms I1571del.
Identifiers: ClinVar variation 4082210 (VCV004082210.1).